The following is an entry in ClinVar:

NM_004369.4(COL6A3):c.2959G>A (p.Val987Met)

Gene: COL6A3 (collagen type VI alpha 3 chain; minus strand). Cytogenetic location: 2q37.3.
Variant type: single nucleotide variant.
Coding change: c.2959G>A on transcript NM_004369.4 (MANE Select); coding-DNA position 2959, G replaced by A.
Protein change: p.Val987Met; replaces valine 987 with methionine.
Molecular consequence: missense variant.
Genome position (GRCh38, 1-based): chr2:237,376,883, C>T on the plus strand (G>A on the coding strand, the complement: COL6A3 is on the minus strand). VCF-style: chr2-237376883-C-T. GRCh37 (hg19) VCF-style: chr2-238285526-C-T.
Other names: c.1738G>A, p.Val580Met (NM_057164.5); c.2341G>A, p.Val781Met (NM_057165.5, NM_057167.4); c.1138G>A, p.Val380Met (NM_057166.5); short protein forms V380M, V580M, V781M, V987M.
Identifiers: ClinVar variation 656504 (VCV000656504.13), dbSNP rs140437593, ClinGen allele CA2189283.

ClinVar aggregate classification (germline): Conflicting classifications of pathogenicity. Review status: criteria provided, conflicting classifications (1 of 4 stars). 4 submissions from 4 submitters: Uncertain significance (3); Likely benign (1). Last evaluated 2026-10-01.

Conditions:
Bethlem myopathy 1A. Also called: MYOPATHY, BENIGN CONGENITAL, WITH CONTRACTURES; Bethlem Muscular Dystrophy; Bethlem myopathy 1. Identifiers: Orphanet 610, MedGen CN029274, MONDO:0024530, OMIM 158810.
Inborn genetic diseases. Identifiers: MedGen C0950123, MeSH D030342.

Allele frequency attached by ClinVar (database versions not stated): gnomAD 0.00001; TOPMed 0.00001; gnomAD exomes 0.00002 and 0.00004; ExAC 0.00006; ESP Exome Variant Server 0.00015.
gnomAD v4.1: 34 of 1,614,086 alleles (0.0021%); highest among the groups gnomAD compares: Middle Eastern, 0.016%; no homozygotes.

Submissions (4):

CeGaT Center for Human Genetics Tuebingen
Classification: Uncertain significance. Last evaluated: 2026-10-01. Review status: criteria provided, single submitter. Criteria: CeGaT Center For Human Genetics Tuebingen Variant Classification Criteria Version 2. Collection method: clinical testing. Allele origin: germline. Affected: yes. Observed: 1 variant allele.
Comment: COL6A3: PM2

Labcorp Genetics (formerly Invitae), Labcorp
Classification: Likely benign for Bethlem myopathy 1A. Last evaluated: 2025-06-03. Review status: criteria provided, single submitter. Criteria: Invitae Variant Classification Sherloc (09022015). Collection method: clinical testing. Allele origin: germline.

Ambry Genetics
Classification: Uncertain significance for Inborn genetic diseases. Last evaluated: 2022-04-22. Review status: criteria provided, single submitter. Criteria: Ambry Variant Classification Scheme 2023. Collection method: clinical testing. Allele origin: germline.

Revvity Omics, Revvity
Classification: Uncertain significance. Last evaluated: 2020-10-26. Review status: criteria provided, single submitter. Criteria: ACMG Guidelines, 2015. Collection method: clinical testing. Allele origin: germline.